The following is an entry in ClinVar:

ClinVar aggregate classification (germline): Likely benign (0 of 4 stars; one submission).

Conditions:
SERPINF2-related disorder. Also called: SERPINF2-related condition.

Allele frequency attached by ClinVar (database versions not stated): gnomAD exomes 0.00003; gnomAD 0.00005; TOPMed 0.00005; ExAC 0.00006; ESP Exome Variant Server 0.00008.
gnomAD v4.1: 63 of 1,613,890 alleles (0.0039%); highest among the groups gnomAD compares: South Asian, 0.0055%; no homozygotes.

Submission:

PreventionGenetics, part of Exact Sciences
Classification: Likely benign for SERPINF2-related condition. Last evaluated: 2021-04-28. Review status: no assertion criteria provided. Collection method: clinical testing. Allele origin: germline.
Comment: This variant is classified as likely benign based on ACMG/AMP sequence variant interpretation guidelines (Richards et al. 2015 PMID: 25741868, with internal and published modifications).

NM_000934.4(SERPINF2):c.699C>T (p.Asn233=)

Gene: SERPINF2 (serpin family F member 2; plus strand). Cytogenetic location: 17p13.3.
Variant type: single nucleotide variant.
Coding change: c.699C>T on transcript NM_000934.4 (MANE Select); coding-DNA position 699, C replaced by T.
Protein change: p.Asn233=; no amino-acid change (asparagine 233 retained).
Molecular consequence: synonymous variant.
Genome position (GRCh38, 1-based): chr17:1,747,496, C>T. VCF-style: chr17-1747496-C-T. GRCh37 (hg19) VCF-style: chr17-1650790-C-T.
Other names: c.699C>T, p.Asn233= (NM_001165920.1); c.507C>T, p.Asn169= (NM_001165921.2).
Identifiers: ClinVar variation 3028949 (VCV003028949.2), dbSNP rs150369383, ClinGen allele CA8274257.
Genomic context (GRCh38, chr17:1,747,496, plus strand): 5'-GGGGAAGATTCAGGAATTCCTCTCTGGGCTGCCGGAAGACACCGTGTTGCTTCTCCTCAA[C>T]GCCATCCACTTCCAGGGTGCGCTCCTCCTCCTCTCAGATCCCCCACCCTGTAGGCTGAGC-3'
Protein context (NP_000925.2, residues 223-243): LPEDTVLLLL[Asn233=]AIHFQGFWRN